The following is an entry in ClinVar:

ClinVar aggregate classification (germline): Likely benign (1 of 4 stars; one submission).

Conditions:
NDP-related disorder. Also called: NDP-related condition.

Submission:

PreventionGenetics, part of Exact Sciences
Classification: Likely benign for NDP-related condition. Last evaluated: 2025-02-08. Review status: criteria provided, single submitter. Criteria: ACMG Guidelines, 2015. Collection method: clinical testing. Allele origin: germline.
Comment: This variant is classified as likely benign based on ACMG/AMP sequence variant interpretation guidelines (Richards et al. 2015 PMID: 25741868, with internal and published modifications).

NM_000266.3(NDP):c.-410_-395del16

Gene: NDP (norrin cystine knot growth factor NDP; minus strand). Cytogenetic location: Xp11.3.
Variant type: Deletion.
Coding change: c.-410_-395del16 on transcript NM_000266.3; 410 bases upstream of the start codon through 395 bases upstream of the start codon, 16 bases deleted (TCCCTCTCTCTCTCTC).
Genome position (GRCh38, 1-based): chrX:43,973,491-43,973,506, GAGAGAGAGAGAGGGA deleted on the plus strand (TCCCTCTCTCTCTCTC on the coding strand, the reverse complement: NDP is on the minus strand); deleting any 16 consecutive bases within chrX:43,973,491-43,973,519 gives the same sequence; the c. name uses the placement nearest the transcript's 3' end. VCF-style (leftmost placement, unchanged base first): chrX-43973490-GGAGAGAGAGAGAGGGA-G. GRCh37 (hg19) VCF-style: chrX-43832736-GGAGAGAGAGAGAGGGA-G.
Identifiers: ClinVar variation 4990675 (VCV004990675.1).